The following is an entry in ClinVar:

NM_003235.5(TG):c.7364G>A (p.Arg2455His)

Genes: SLA (Src like adaptor; minus strand), TG (thyroglobulin; plus strand). Cytogenetic location: 8q24.22.
Variant type: single nucleotide variant.
Coding change: c.7364G>A on transcript NM_003235.5 (MANE Select); coding-DNA position 7364, G replaced by A.
Protein change: p.Arg2455His; replaces arginine 2455 with histidine.
Molecular consequence: missense variant. On other transcripts: intron variant (4).
Genome position (GRCh38, 1-based): chr8:133,095,168, G>A. VCF-style: chr8-133095168-G-A. GRCh37 (hg19) VCF-style: chr8-134107412-G-A.
Other names: c.-264+7385C>T (NM_001282965.2); c.11+7385C>T (NM_001282964.2, NM_001045557.3); c.-319+7385C>T (NM_001045556.3); short protein forms R2455H.
Identifiers: ClinVar variation 737320 (VCV000737320.12), dbSNP rs2272707, ClinGen allele CA4885613.

ClinVar aggregate classification (germline): Conflicting classifications of pathogenicity. Review status: criteria provided, conflicting classifications (1 of 4 stars). 4 submissions from 4 submitters: Uncertain significance (2); Likely benign (2). Last evaluated 2026-07-07.

Conditions:
Congenital hypothyroidism. Identifiers: Orphanet 442, MedGen C0010308, MONDO:0018612, HP:0000851.
Iodotyrosyl coupling defect (TDH3). Also called: HYPOTHYROIDISM, CONGENITAL, DUE TO DYSHORMONOGENESIS, 3; THYROID HORMONOGENESIS, GENETIC DEFECT IN, 3. Identifiers: Orphanet 95716, MedGen C0342194, MONDO:0010135, OMIM 274700.

Allele frequency attached by ClinVar (database versions not stated): gnomAD 0.00023 and 0.00031; TOPMed 0.00061; ExAC 0.00070; 1000 Genomes Project 30x 0.00109; 1000 Genomes Project 0.00120.
gnomAD v4.1: 395 of 1,614,182 alleles (0.024%); highest among the groups gnomAD compares: East Asian, 0.75%; 1 homozygote.

Submissions (4):

Cambridge Genomics Laboratory, East Genomic Laboratory Hub, NHS Genomic Medicine Service
Classification: Uncertain significance for Congenital hypothyroidism. Last evaluated: 2026-07-07. Review status: criteria provided, single submitter. Criteria: ACGS Best Practice Guidelines for Variant Classification in Rare Disease 2020. Collection method: clinical testing. Allele origin: germline. Affected: yes.
Comment: PM1_Supporting,PM2_Supporting

Women's Health and Genetics/Laboratory Corporation of America, LabCorp
Classification: Likely benign. Last evaluated: 2026-04-22. Review status: criteria provided, single submitter. Criteria: LabCorp Variant Classification Summary - May 2015. Collection method: clinical testing. Allele origin: germline.
Comment: Variant summary: TG c.7364G>A (p.Arg2455His) results in a non-conservative amino acid change in the encoded protein sequence. Algorithms developed to predict the effect of missense changes on protein structure and function all suggest that this variant is likely to be disruptive. The variant allele was found at a frequency of 0.00077 in 251422 control chromosomes, predominantly at a frequency of 0.0099 within the East Asian subpopulation in the gnomAD database, including 1 homozygote. The observed variant frequency within East Asian control individuals in the gnomAD database exceeds the estimated maximal expected allele frequency for disease-causing variants in TG. c.7364G>A has been observed in individuals affected with Thyroid dyshormonogenesis without strong evidence of causality (e.g. Long_2018). These reports do not provide unequivocal conclusions about association of the variant with TG-Related Disorders. To our knowledge, no experimental evidence demonstrating an impact on protein function has been reported. The following publication has been ascertained in the context of this evaluation (PMID: 30022773). ClinVar contains an entry for this variant (Variation ID: 737320). Based on the evidence outlined above, the variant was classified as likely benign.

Labcorp Genetics (formerly Invitae), Labcorp
Classification: Likely benign. Last evaluated: 2024-05-22. Review status: criteria provided, single submitter. Criteria: Invitae Variant Classification Sherloc (09022015). Collection method: clinical testing. Allele origin: germline.

Illumina Laboratory Services, Illumina
Classification: Uncertain significance for Iodotyrosyl coupling defect. Last evaluated: 2018-01-12. Review status: criteria provided, single submitter. Criteria: ICSL Variant Classification Criteria 13 December 2019. Collection method: clinical testing. Allele origin: germline.

Literature cited by the submitters: PubMed 30022773 (cited by Women's Health and Genetics/Laboratory Corporation of America, LabCorp).